The following is an entry in ClinVar:

NM_005559.4(LAMA1):c.2699G>A (p.Arg900His)

Gene: LAMA1 (laminin subunit alpha 1; minus strand). Cytogenetic location: 18p11.31.
Variant type: single nucleotide variant.
Coding change: c.2699G>A on transcript NM_005559.4 (MANE Select); coding-DNA position 2699, G replaced by A.
Protein change: p.Arg900His; replaces arginine 900 with histidine.
Molecular consequence: missense variant.
Genome position (GRCh38, 1-based): chr18:7,023,166, C>T on the plus strand (G>A on the coding strand, the complement: LAMA1 is on the minus strand). VCF-style: chr18-7023166-C-T. GRCh37 (hg19) VCF-style: chr18-7023165-C-T.
Other names: c.2699G>A (NM_005559.3); short protein forms R900H.
Identifiers: ClinVar variation 1355026 (VCV001355026.8), dbSNP rs945345901, ClinGen allele CA295785369.

ClinVar aggregate classification (germline): Uncertain significance. Review status: criteria provided, multiple submitters, no conflicts (2 of 4 stars). 2 submissions from 2 submitters: Uncertain significance (2). Last evaluated 2025-02-18.

Conditions:
Inborn genetic diseases. Identifiers: MedGen C0950123, MeSH D030342.

Allele frequency attached by ClinVar (database versions not stated): gnomAD exomes below 0.00001 and 0.00003; TOPMed 0.00002; gnomAD 0.00003.
gnomAD v4.1: 49 of 1,611,894 alleles (0.003%); highest among the groups gnomAD compares: Non-Finnish European, 0.0038%; no homozygotes.

Submissions (2):

Ambry Genetics
Classification: Uncertain significance for Inborn genetic diseases. Last evaluated: 2025-02-18. Review status: criteria provided, single submitter. Criteria: Ambry Variant Classification Scheme 2023. Collection method: clinical testing. Allele origin: germline.

Labcorp Genetics (formerly Invitae), Labcorp
Classification: Uncertain significance. Last evaluated: 2024-02-24. Review status: criteria provided, single submitter. Criteria: Invitae Variant Classification Sherloc (09022015). Collection method: clinical testing. Allele origin: germline.
Comment: This sequence change replaces arginine, which is basic and polar, with histidine, which is basic and polar, at codon 900 of the LAMA1 protein (p.Arg900His). This variant is present in population databases (no rsID available, gnomAD 0.002%). This variant has not been reported in the literature in individuals affected with LAMA1-related conditions. ClinVar contains an entry for this variant (Variation ID: 1355026). Algorithms developed to predict the effect of missense changes on protein structure and function output the following: SIFT: "Not Available"; PolyPhen-2: "Benign"; Align-GVGD: "Not Available". The histidine amino acid residue is found in multiple mammalian species, which suggests that this missense change does not adversely affect protein function. In summary, the available evidence is currently insufficient to determine the role of this variant in disease. Therefore, it has been classified as a Variant of Uncertain Significance.